The following is an entry in ClinVar:

NM_000048.4(ASL):c.292G>T (p.Glu98Ter)

Gene: ASL (argininosuccinate lyase; plus strand). Cytogenetic location: 7q11.21.
Variant type: single nucleotide variant.
Coding change: c.292G>T on transcript NM_000048.4 (MANE Select); coding-DNA position 292, G replaced by T.
Protein change: p.Glu98Ter; replaces glutamic acid 98 with a stop codon.
Molecular consequence: nonsense.
Genome position (GRCh38, 1-based): chr7:66,082,880, G>T. VCF-style: chr7-66082880-G-T. GRCh37 (hg19) VCF-style: chr7-65547867-G-T.
Other names: c.292G>T, p.Glu98Ter (NM_001024943.2, NM_001024944.2, NM_001024946.2); short protein forms E98*.
Identifiers: ClinVar variation 553428 (VCV000553428.11), dbSNP rs770375565, ClinGen allele CA4276891.
Genomic context (GRCh38, chr7:66,082,880, plus strand): 5'-TGCCTGGGTTGACTCCTCTGGGGGTATAGACCGTGACCCTGGGTCTCCCTTCACCTCCAG[G>T]AGCTCATTGGTGCAACGGCAGGGAAGCTGCACACGGGACGGAGCCGGAATGACCAGGTGC-3'

ClinVar aggregate classification (germline): Pathogenic. Review status: criteria provided, single submitter (1 of 4 stars). 2 submissions from 2 submitters: Pathogenic (1). 1 of the submissions does not count toward it. Last evaluated 2023-11-15.

Conditions:
Argininosuccinate lyase deficiency. Also called: ARGININOSUCCINIC ACID LYASE DEFICIENCY; ASL DEFICIENCY; Argininosuccinic aciduria. Identifiers: Orphanet 23, MedGen C0268547, MONDO:0008815, OMIM 207900, HP:0025630.

Allele frequency attached by ClinVar (database versions not stated): ExAC 0.00001; gnomAD exomes 0.00001.
gnomAD v4.1: 9 of 1,613,688 alleles (0.00056%); highest among the groups gnomAD compares: Non-Finnish European, 0.00076%; no homozygotes.

Submissions (2):

Labcorp Genetics (formerly Invitae), Labcorp
Classification: Pathogenic for Argininosuccinate lyase deficiency. Last evaluated: 2023-11-15. Review status: criteria provided, single submitter. Criteria: Invitae Variant Classification Sherloc (09022015). Collection method: clinical testing. Allele origin: germline.
Comment: This sequence change creates a premature translational stop signal (p.Glu98*) in the ASL gene. It is expected to result in an absent or disrupted protein product. Loss-of-function variants in ASL are known to be pathogenic (PMID: 2263616, 24166829). This variant is present in population databases (rs770375565, gnomAD 0.003%). This premature translational stop signal has been observed in individual(s) with argininosuccinate lyase deficiency (PMID: 24166829). ClinVar contains an entry for this variant (Variation ID: 553428). Algorithms developed to predict the effect of sequence changes on RNA splicing suggest that this variant may disrupt the consensus splice site. For these reasons, this variant has been classified as Pathogenic.

Counsyl
Classification: Likely pathogenic for Argininosuccinate lyase deficiency. Last evaluated: 2017-08-18. Review status: no assertion criteria provided. Collection method: clinical testing. Allele origin: unknown. Not counted in ClinVar's aggregate classification.

Literature cited by the submitters: PubMed 2263616 (cited by Labcorp Genetics (formerly Invitae), Labcorp); PubMed 24166829 (cited by Labcorp Genetics (formerly Invitae), Labcorp and Counsyl).